The following is an entry in ClinVar:

ClinVar aggregate classification (germline): Likely benign (1 of 4 stars; one submission).

gnomAD v4.1: 88 of 1,613,466 alleles (0.0055%); highest among the groups gnomAD compares: Non-Finnish European, 0.0067%; no homozygotes.

Submission:

CeGaT Center for Human Genetics Tuebingen
Classification: Likely benign. Last evaluated: 2025-01-01. Review status: criteria provided, single submitter. Criteria: CeGaT Center For Human Genetics Tuebingen Variant Classification Criteria Version 2. Collection method: clinical testing. Allele origin: germline. Affected: yes. Observed: 1 variant allele.
Comment: ODC1: BP4, BP7

NM_002539.3(ODC1):c.903G>A (p.Thr301=)

Gene: ODC1 (ornithine decarboxylase 1; minus strand). Cytogenetic location: 2p25.1.
Variant type: single nucleotide variant.
Coding change: c.903G>A on transcript NM_002539.3 (MANE Select); coding-DNA position 903, G replaced by A.
Protein change: p.Thr301=; no amino-acid change (threonine 301 retained).
Molecular consequence: synonymous variant.
Genome position (GRCh38, 1-based): chr2:10,442,022, C>T on the plus strand (G>A on the coding strand, the complement: ODC1 is on the minus strand). VCF-style: chr2-10442022-C-T. GRCh37 (hg19) VCF-style: chr2-10582148-C-T.
Other names: c.516G>A, p.Thr172= (NM_001287188.2); c.903G>A, p.Thr301= (NM_001287189.2, NM_001287190.2).
Identifiers: ClinVar variation 3770389 (VCV003770389.13).